The following is an entry in ClinVar:

NM_016360.4(TACO1):c.433G>A (p.Gly145Ser)

Gene: TACO1 (translational activator of cytochrome c oxidase I; plus strand). Cytogenetic location: 17q23.3.
Variant type: single nucleotide variant.
Coding change: c.433G>A on transcript NM_016360.4 (MANE Select); coding-DNA position 433, G replaced by A.
Protein change: p.Gly145Ser; replaces glycine 145 with serine.
Molecular consequence: missense variant.
Genome position (GRCh38, 1-based): chr17:63,606,358, G>A. VCF-style: chr17-63606358-G-A. GRCh37 (hg19) VCF-style: chr17-61683718-G-A.
Other names: p.G145S:GGC>AGC; short protein forms G145S.
Identifiers: ClinVar variation 139386 (VCV000139386.23), dbSNP rs35252424, ClinGen allele CA293852.
Genomic context (GRCh38, chr17:63,606,358, plus strand): 5'-TGTTGTTTATTGCAGAAATCCAAGGACACTTATTTGCTGTATGAGGGTCGAGGCCCTGGT[G>A]GCTCTTCTCTGCTCATCGAGGCATTATCTAACAGTAGCCACAAGTGCCAAGCAGACATTA-3'
Protein context (NP_057444.2, residues 135-155): YLLYEGRGPG[Gly145Ser]SSLLIEALSN

ClinVar aggregate classification (germline): Benign. Review status: criteria provided, multiple submitters, no conflicts (2 of 4 stars). 7 submissions from 7 submitters: Benign (5). 2 of the submissions do not count toward it. Last evaluated 2026-01-15.

Conditions:
TACO1-related disorder. Also called: TACO1-related condition.
Mitochondrial complex IV deficiency, nuclear type 1 (MC4DN1). Also called: COX DEFICIENCY; Mitochondrial complex IV deficiency; Complex 4 mitochondrial respiratory chain deficiency; Deficiency of mitochondrial respiratory chain complex4; Complex IV deficiency. Identifiers: MedGen C5435656, MONDO:0700250, OMIM 220110. Disease mechanism: loss of function.

Allele frequency attached by ClinVar (database versions not stated): gnomAD exomes 0.00144 and 0.00385; ExAC 0.00441; gnomAD 0.01353 and 0.01444; ESP Exome Variant Server 0.01499; TOPMed 0.01569; 1000 Genomes Project 0.01777; 1000 Genomes Project 30x 0.01999.
gnomAD v4.1: 4,291 of 1,614,034 alleles (0.27%); highest among the groups gnomAD compares: African/African-American, 4.6%; 89 homozygotes.

Submissions (7):

Labcorp Genetics (formerly Invitae), Labcorp
Classification: Benign. Last evaluated: 2026-01-15. Review status: criteria provided, single submitter. Criteria: Invitae Variant Classification Sherloc (09022015). Collection method: clinical testing. Allele origin: germline.

Illumina Laboratory Services, Illumina
Classification: Benign for Mitochondrial complex IV deficiency, nuclear type 1. Last evaluated: 2017-09-27. Review status: criteria provided, single submitter. Criteria: ICSL Variant Classification Criteria 13 December 2019. Collection method: clinical testing. Allele origin: germline.
Comment: This variant was observed as part of a predisposition screen in an ostensibly healthy population. A literature search was performed for the gene, cDNA change, and amino acid change (where applicable). No publications were found based on this search. Allele frequency data from public databases was too high to be consistent with this variant causing disease. Therefore, this variant is classified as benign.

Center for Pediatric Genomic Medicine, Children's Mercy Hospital and Clinics
Classification: Benign. Last evaluated: 2016-12-30. Review status: criteria provided, single submitter. Criteria: ACMG Guidelines, 2015. Collection method: clinical testing. Allele origin: germline.

GeneDx
Classification: Benign. Last evaluated: 2012-04-04. Review status: criteria provided, single submitter. Criteria: GeneDx Variant Classification (06012015). Collection method: clinical testing. Allele origin: germline. Affected: yes.
Comment: This variant is considered likely benign or benign based on one or more of the following criteria: it is a conservative change, it occurs at a poorly conserved position in the protein, it is predicted to be benign by multiple in silico algorithms, and/or has population frequency not consistent with disease.

Breakthrough Genomics
Classification: Benign. Review status: criteria provided, single submitter. Criteria: ACMG Guidelines, 2015. Collection method: not provided. Allele origin: germline. Inheritance: Autosomal recessive inheritance. Affected: yes.

PreventionGenetics, part of Exact Sciences
Classification: Benign for TACO1-related condition. Last evaluated: 2020-01-13. Review status: no assertion criteria provided. Collection method: clinical testing. Allele origin: germline. Not counted in ClinVar's aggregate classification.
Comment: This variant is classified as benign based on ACMG/AMP sequence variant interpretation guidelines (Richards et al. 2015 PMID: 25741868, with internal and published modifications).

Mayo Clinic Laboratories, Mayo Clinic
Classification: Benign. Last evaluated: 2016-03-16. Review status: no assertion criteria provided. Collection method: clinical testing. Allele origin: unknown. Not counted in ClinVar's aggregate classification.